The following is an entry in ClinVar:

NM_000268.4(NF2):c.1282C>T (p.Gln428Ter)

Gene: NF2 (NF2, moesin-ezrin-radixin like (MERLIN) tumor suppressor; plus strand). Cytogenetic location: 22q12.2.
Variant type: single nucleotide variant.
Coding change: c.1282C>T on transcript NM_000268.4 (MANE Select); coding-DNA position 1282, C replaced by T.
Protein change: p.Gln428Ter; replaces glutamine 428 with a stop codon.
Molecular consequence: nonsense. On other transcripts: non-coding transcript variant (1), intron variant (1).
Genome position (GRCh38, 1-based): chr22:29,673,428, C>T. VCF-style: chr22-29673428-C-T. GRCh37 (hg19) VCF-style: chr22-30069417-C-T.
Other names: c.1168C>T, p.Gln390Ter (NM_001407053.1, NM_001407056.1); c.1159C>T, p.Gln387Ter (NM_001407054.1, NM_001407058.1, NM_181829.3); c.1156C>T, p.Gln386Ter (NM_001407055.1, NM_181828.3); c.1147C>T, p.Gln383Ter (NM_001407057.1, NM_001407059.1); c.1282C>T, p.Gln428Ter (NM_001407060.1, NM_001407066.1, NM_016418.5 and 2 more transcripts); c.1024C>T, p.Gln342Ter (NM_001407062.1); c.1033C>T, p.Gln345Ter (NM_001407063.1, NM_001407064.1, NM_181830.3 and 1 more transcripts); c.748C>T, p.Gln250Ter (NM_001407065.1); and 2 more; short protein forms Q386*, Q428*, Q342*, Q345*, Q351*, Q390*, Q250*, Q383*.
Identifiers: ClinVar variation 1768250 (VCV001768250.2), dbSNP rs2147083582, ClinGen allele CA411148462.

ClinVar aggregate classification (germline): Pathogenic (1 of 4 stars; one submission).

Conditions:
Hereditary cancer-predisposing syndrome. Also called: Hereditary Cancer Syndrome; Hereditary neoplastic syndrome; Neoplastic Syndromes, Hereditary; Tumor predisposition. Identifiers: Orphanet 140162, MedGen C0027672, MeSH D009386, MONDO:0015356.

Submission:

Ambry Genetics
Classification: Pathogenic for Hereditary cancer-predisposing syndrome. Last evaluated: 2019-05-24. Review status: criteria provided, single submitter. Criteria: Ambry Variant Classification Scheme 2023. Collection method: clinical testing. Allele origin: germline.
Comment: The p.Q428* pathogenic mutation (also known as c.1282C>T), located in coding exon 12 of the NF2 gene, results from a C to T substitution at nucleotide position 1282. This changes the amino acid from a glutamine to a stop codon within coding exon 12. This alteration was identified in a pediatric patient with a suprasellar meningioma, bilateral vestibular schwannomas, glioma, and neurofibroma (Kim HJ et al. J Genet Med. 2017;14(2):56-6) and in a cohort of patients with neurofibromatosis type 2 (NF-2) (Mautner VF et al. J. Neurosurg. 2002 Feb;96:223-8). In addition to the clinical data presented in the literature, this alteration is expected to result in loss of function by premature protein truncation or nonsense-mediated mRNA decay. As such, this alteration is interpreted as a disease-causing mutation.

Literature cited by the submitters: PubMed 11838794; PubMed 8882871.